The following is an entry in ClinVar:

ClinVar aggregate classification (germline): Pathogenic (1 of 4 stars; one submission).

Conditions:
Glycogen storage disease, type II (IOPD). Also called: GAA DEFICIENCY, INFANTILE-ONSET; ACID MALTASE DEFICIENCY, INFANTILE-ONSET; POMPE DISEASE, INFANTILE-ONSET; Pompe Disease; CARDIOMEGALIA GLYCOGENICA DIFFUSA; GLYCOGENOSIS, GENERALIZED, CARDIAC FORM. Identifiers: Orphanet 365, MedGen C0017921, MONDO:0009290, OMIM 232300.

Submission:

Labcorp Genetics (formerly Invitae), Labcorp
Classification: Pathogenic for Glycogen storage disease, type II. Last evaluated: 2021-08-18. Review status: criteria provided, single submitter. Criteria: Invitae Variant Classification Sherloc (09022015). Collection method: clinical testing. Allele origin: germline.
Comment: This sequence change creates a premature translational stop signal (p.Ile526Hisfs*5) in the GAA gene. It is expected to result in an absent or disrupted protein product. Loss-of-function variants in GAA are known to be pathogenic (PMID: 18425781, 22252923). This variant is not present in population databases (ExAC no frequency). This variant has not been reported in the literature in individuals affected with GAA-related conditions. For these reasons, this variant has been classified as Pathogenic.

Literature cited by the submitters: PubMed 18425781; PubMed 22252923.

NM_000152.5(GAA):c.1575dup (p.Ile526fs)

Gene: GAA (alpha glucosidase; plus strand). Cytogenetic location: 17q25.3.
Variant type: Duplication.
Coding change: c.1575dup on transcript NM_000152.5 (MANE Select); coding-DNA position 1575, one base duplicated (C; older notation c.1575dupC).
Protein change: p.Ile526fs; shifts the reading frame from isoleucine 526.
Molecular consequence: frameshift variant.
Genome position (GRCh38, 1-based): chr17:80,110,964, C duplicated. VCF-style (leftmost placement, unchanged base first): chr17-80110963-T-TC. GRCh37 (hg19) VCF-style: chr17-78084762-T-TC.
Other names: c.1575dup, p.Ile526fs (NM_001079803.3, NM_001079804.3); short protein forms I526fs.
Identifiers: ClinVar variation 1451426 (VCV001451426.1), dbSNP rs2143874398, ClinGen allele CA2573154976.